The following is an entry in ClinVar:

NM_001170629.2(CHD8):c.3413T>C (p.Ile1138Thr)

Gene: CHD8 (chromodomain helicase DNA binding protein 8; minus strand). Cytogenetic location: 14q11.2.
Variant type: single nucleotide variant.
Coding change: c.3413T>C on transcript NM_001170629.2 (MANE Select); coding-DNA position 3413, T replaced by C.
Protein change: p.Ile1138Thr; replaces isoleucine 1138 with threonine.
Molecular consequence: missense variant.
Genome position (GRCh38, 1-based): chr14:21,403,558, A>G on the plus strand (T>C on the coding strand, the complement: CHD8 is on the minus strand). VCF-style: chr14-21403558-A-G. GRCh37 (hg19) VCF-style: chr14-21871717-A-G.
Other names: c.3413T>C (NM_001170629.1); c.2576T>C, p.Ile859Thr (NM_020920.4); short protein forms I1138T, I859T.
Identifiers: ClinVar variation 2810554 (VCV002810554.4), dbSNP rs2501903108, ClinGen allele CA388901128.

ClinVar aggregate classification (germline): Conflicting classifications of pathogenicity. Review status: criteria provided, conflicting classifications (1 of 4 stars). 2 submissions from 2 submitters: Likely pathogenic (1); Uncertain significance (1). Last evaluated 2024-12-29.

Allele frequency attached by ClinVar (database versions not stated): gnomAD exomes below 0.00001.
gnomAD v4.1: 3 of 1,613,500 alleles (0.00019%); highest among the groups gnomAD compares: Non-Finnish European, 0.00025%; no homozygotes.

Submissions (2):

GeneDx
Classification: Likely pathogenic. Last evaluated: 2024-12-29. Review status: criteria provided, single submitter. Criteria: GeneDx Variant Classification Process June 2021. Collection method: clinical testing. Allele origin: germline. Affected: yes.
Comment: Not observed at significant frequency in large population cohorts (gnomAD); In silico analysis supports that this missense variant has a deleterious effect on protein structure/function; Has not been previously published as pathogenic or benign to our knowledge

Labcorp Genetics (formerly Invitae), Labcorp
Classification: Uncertain significance. Last evaluated: 2024-05-15. Review status: criteria provided, single submitter. Criteria: Invitae Variant Classification Sherloc (09022015). Collection method: clinical testing. Allele origin: germline.
Comment: This sequence change replaces isoleucine, which is neutral and non-polar, with threonine, which is neutral and polar, at codon 1138 of the CHD8 protein (p.Ile1138Thr). This variant is not present in population databases (gnomAD no frequency). This variant has not been reported in the literature in individuals affected with CHD8-related conditions. Advanced modeling of protein sequence and biophysical properties (such as structural, functional, and spatial information, amino acid conservation, physicochemical variation, residue mobility, and thermodynamic stability) has been performed at Invitae for this missense variant, however the output from this modeling did not meet the statistical confidence thresholds required to predict the impact of this variant on CHD8 protein function. In summary, the available evidence is currently insufficient to determine the role of this variant in disease. Therefore, it has been classified as a Variant of Uncertain Significance.